The following is an entry in ClinVar:

ClinVar aggregate classification (germline): Uncertain significance (1 of 4 stars; one submission).

Conditions:
Dyskeratosis congenita, autosomal dominant 1 (DKCA1). Also called: Dyskeratosis congenita Scoggins type. Identifiers: Orphanet 1775, MedGen C4551974, MONDO:0007485, OMIM 127550. Inheritance: Variable.

Submission:

Labcorp Genetics (formerly Invitae), Labcorp
Classification: Uncertain significance for Dyskeratosis congenita, autosomal dominant 1. Last evaluated: 2020-12-03. Review status: criteria provided, single submitter. Criteria: Invitae Variant Classification Sherloc (09022015). Collection method: clinical testing. Allele origin: germline.
Comment: This variant is located within the BoxH/ACA scaRNA domain of the TERC RNA component, which is required for telomerase activity (PMID: 21844345). Functional studies testing the effect of this variant on TERC secondary structure or function have not been reported. In summary, the available evidence is currently insufficient to determine the role of this variant in disease. Therefore, it has been classified as a Variant of Uncertain Significance. This variant has not been reported in the literature in individuals with TERC-related conditions. This variant is not present in population databases (ExAC no frequency). This variant occurs in the TERC gene, which encodes an RNA molecule that does not result in a protein product.

Literature cited by the submitters: PubMed 21844345.

NC_000003.12:g.169764621C>T

Gene: TERC (telomerase RNA component; minus strand). Cytogenetic location: 3q26.2.
Variant type: single nucleotide variant.
Genome position: GRCh38 VCF-style: chr3-169764621-C-T. GRCh37 (hg19) VCF-style: chr3-169482409-C-T.
Identifiers: ClinVar variation 1427280 (VCV001427280.8), dbSNP rs2108182728, ClinGen allele CA436714723.
Genomic context (GRCh38, chr3:169,764,621, plus strand): 5'-TGACGGATGCGCACGATCGGCGTTCCCCCCACCAACAGGAAAGCGAACTGCATGTGTGAG[C>T]CGAGTCCTGGGTGCACGTCCCACAGCTCAGGGAATCGCGCCGCGCGCGGGGACTCGCTCC-3'